The following is an entry in ClinVar:

NM_017636.4(TRPM4):c.2231A>T (p.Lys744Met)

Gene: TRPM4 (transient receptor potential cation channel subfamily M member 4; plus strand). Cytogenetic location: 19q13.33.
Variant type: single nucleotide variant.
Coding change: c.2231A>T on transcript NM_017636.4 (MANE Select); coding-DNA position 2231, A replaced by T.
Protein change: p.Lys744Met; replaces lysine 744 with methionine.
Molecular consequence: missense variant. On other transcripts: intron variant (1).
Genome position (GRCh38, 1-based): chr19:49,196,460, A>T. VCF-style: chr19-49196460-A-T. GRCh37 (hg19) VCF-style: chr19-49699717-A-T.
Other names: c.2211-3840A>T (NM_001195227.2); c.1169A>T, p.Lys390Met (NM_001321285.2); c.1709A>T, p.Lys570Met (NM_001321283.2); c.623A>T, p.Lys208Met (NM_001321282.2); c.1886A>T, p.Lys629Met (NM_001321281.2); short protein forms K744M, K208M, K390M, K570M, K629M.
Identifiers: ClinVar variation 329862 (VCV000329862.28), dbSNP rs569301210, ClinGen allele CA9569504.
Genomic context (GRCh38, chr19:49,196,460, plus strand): 5'-CAGAGTGAGGCCTCCTCCCTTCTCTTCTCTTCCCCCACAGGACGGCGGACCCAGCCGAGA[A>T]GACGCCGCTGGGGGTCCCGCGCCAGTCGGGCCGTCCGGGTTGCTGCGGGGGCCGCTGCGG-3'
Protein context (NP_060106.2, residues 734-754): GPVGTADPAE[Lys744Met]TPLGVPRQSG

ClinVar aggregate classification (germline): Conflicting classifications of pathogenicity. Review status: criteria provided, conflicting classifications (1 of 4 stars). 5 submissions from 5 submitters: Uncertain significance (1); Likely benign (3). 1 of the submissions does not count toward it. Last evaluated 2025-09-20.

Conditions:
Cardiovascular phenotype. Identifiers: MedGen CN230736.
TRPM4-related disorder. Also called: TRPM4-related condition; TRPM4-related disorders. Identifiers: MedGen CN239424.
Progressive familial heart block type IB (PFHB1B). Identifiers: Orphanet 871, MedGen C1970298, MONDO:0011474, OMIM 604559.

Allele frequency attached by ClinVar (database versions not stated): gnomAD 0.00001 and 0.00006; gnomAD exomes 0.00003 and 0.00010; TOPMed 0.00006; 1000 Genomes Project 30x 0.00031; ExAC 0.00034; 1000 Genomes Project 0.00040.
gnomAD v4.1: 48 of 1,548,158 alleles (0.0031%); highest among the groups gnomAD compares: East Asian, 0.057%; no homozygotes.

Submissions (5):

Labcorp Genetics (formerly Invitae), Labcorp
Classification: Likely benign for Progressive familial heart block type IB. Last evaluated: 2025-09-20. Review status: criteria provided, single submitter. Criteria: Invitae Variant Classification Sherloc (09022015). Collection method: clinical testing. Allele origin: germline.

Women's Health and Genetics/Laboratory Corporation of America, LabCorp
Classification: Likely benign. Last evaluated: 2025-02-28. Review status: criteria provided, single submitter. Criteria: LabCorp Variant Classification Summary - May 2015. Collection method: clinical testing. Allele origin: germline.
Comment: Variant summary: TRPM4 c.2231A>T (p.Lys744Met) results in a non-conservative amino acid change in the encoded protein sequence. Three of five in-silico tools predict a damaging effect of the variant on protein function. The variant allele was found at a frequency of 0.0001 in 149694 control chromosomes. The observed variant frequency is approximately 40 fold of the estimated maximal expected allele frequency for a pathogenic variant in TRPM4 causing Progressive Familial Heart Block Type 1B phenotype (2.5e-06). To our knowledge, no occurrence of c.2231A>T in individuals affected with Progressive Familial Heart Block Type 1B and no experimental evidence demonstrating its impact on protein function have been reported. ClinVar contains an entry for this variant (Variation ID: 329862). Based on the evidence outlined above, the variant was classified as likely benign.

Ambry Genetics
Classification: Likely benign for Cardiovascular phenotype. Last evaluated: 2024-07-12. Review status: criteria provided, single submitter. Criteria: Ambry Variant Classification Scheme 2023. Collection method: clinical testing. Allele origin: germline.

Illumina Laboratory Services, Illumina
Classification: Uncertain significance for Progressive familial heart block type IB. Last evaluated: 2018-01-12. Review status: criteria provided, single submitter. Criteria: ICSL Variant Classification Criteria 13 December 2019. Collection method: clinical testing. Allele origin: germline.

PreventionGenetics, part of Exact Sciences
Classification: Likely benign for TRPM4-related condition. Last evaluated: 2022-06-22. Review status: no assertion criteria provided. Collection method: clinical testing. Allele origin: germline. Not counted in ClinVar's aggregate classification.
Comment: This variant is classified as likely benign based on ACMG/AMP sequence variant interpretation guidelines (Richards et al. 2015 PMID: 25741868, with internal and published modifications).

Literature cited by the submitters: PubMed 32508047 (cited by Ambry Genetics).